The following is an entry in ClinVar:

NM_000238.4(KCNH2):c.149A>G (p.Glu50Gly)

Gene: KCNH2 (potassium voltage-gated channel subfamily H member 2; minus strand). Cytogenetic location: 7q36.1.
Variant type: single nucleotide variant.
Coding change: c.149A>G on transcript NM_000238.4 (MANE Select); coding-DNA position 149, A replaced by G.
Protein change: p.Glu50Gly; replaces glutamic acid 50 with glycine.
Molecular consequence: missense variant. On other transcripts: 5 prime UTR variant (1), non-coding transcript variant (1).
Genome position (GRCh38, 1-based): chr7:150,974,869, T>C on the plus strand (A>G on the coding strand, the complement: KCNH2 is on the minus strand). VCF-style: chr7-150974869-T-C. GRCh37 (hg19) VCF-style: chr7-150671957-T-C.
Other names: c.-29A>G (NM_001406755.1); c.149A>G, p.Glu50Gly (NM_172056.3); short protein forms E50G.
Identifiers: ClinVar variation 4291757 (VCV004291757.1).

ClinVar aggregate classification (germline): Uncertain significance (1 of 4 stars; one submission).

Conditions:
KCNH2-related disorder. Also called: KCNH2-related disorders; KCNH2-related condition.

Submission:

3billion
Classification: Uncertain significance for KCNH2-related disorder. Last evaluated: 2024-10-07. Review status: criteria provided, single submitter. Criteria: ACMG Guidelines, 2015. Collection method: clinical testing. Allele origin: germline. Affected: yes.
Comment: The variant is not observed in the gnomAD v4.1.0 dataset. Predicted Consequence/Location: Missense variant In silico tool predictions suggest damaging effect of the variant on gene or gene product [REVEL: 0.71 (>=0.6, sensitivity 0.68 and specificity 0.92); 3Cnet: 0.98 (>=0.6, sensitivity 0.72 and precision 0.9)]. A different missense change at the same codon (p.Glu50Asp) has been reported to be associated with KCNH2 related disorder (PMID: 19340359). However the evidence of pathogenicity is insufficient at this time. Therefore, this variant is classified as VUS according to the recommendation of ACMG/AMP guideline.

Literature cited by the submitters: PubMed 19340359.